The following is an entry in ClinVar:

NM_020884.7(MYH7B):c.4782-3T>A

Gene: MYH7B (myosin heavy chain 7B; plus strand). Cytogenetic location: 20q11.22.
Variant type: single nucleotide variant.
Coding change: c.4782-3T>A on transcript NM_020884.7 (MANE Select); 3 bases into the intron before coding-DNA position 4782, T replaced by A.
Molecular consequence: intron variant.
Genome position (GRCh38, 1-based): chr20:35,000,290, T>A. VCF-style: chr20-35000290-T-A. GRCh37 (hg19) VCF-style: chr20-33588093-T-A.
Identifiers: ClinVar variation 1461450 (VCV001461450.6), dbSNP rs374046960, ClinGen allele CA2573157053.

ClinVar aggregate classification (germline): Uncertain significance (1 of 4 stars; one submission).

Submission:

Labcorp Genetics (formerly Invitae), Labcorp
Classification: Uncertain significance. Last evaluated: 2023-08-04. Review status: criteria provided, single submitter. Criteria: Invitae Variant Classification Sherloc (09022015). Collection method: clinical testing. Allele origin: germline.
Comment: In summary, the available evidence is currently insufficient to determine the role of this variant in disease. Therefore, it has been classified as a Variant of Uncertain Significance. Variants that disrupt the consensus splice site are a relatively common cause of aberrant splicing (PMID: 17576681, 9536098). Algorithms developed to predict the effect of sequence changes on RNA splicing suggest that this variant is not likely to affect RNA splicing. ClinVar contains an entry for this variant (Variation ID: 1461450). This variant has not been reported in the literature in individuals affected with MYH7B-related conditions. This variant is not present in population databases (gnomAD no frequency). This sequence change falls in intron 38 of the MYH7B gene. It does not directly change the encoded amino acid sequence of the MYH7B protein. It affects a nucleotide within the consensus splice site.

Literature cited by the submitters: PubMed 17576681; PubMed 9536098.